The following is an entry in ClinVar:

ClinVar aggregate classification (germline): Uncertain significance. Review status: criteria provided, multiple submitters, no conflicts (2 of 4 stars). 2 submissions from 2 submitters: Uncertain significance (2). Last evaluated 2025-08-28.

Conditions:
Cardiovascular phenotype. Identifiers: MedGen CN230736.
Catecholaminergic polymorphic ventricular tachycardia 1. Also called: RYR2-Related Catecholaminergic Polymorphic Ventricular Tachycardia; VENTRICULAR TACHYCARDIA, STRESS-INDUCED POLYMORPHIC 1; VENTRICULAR TACHYCARDIA, CATECHOLAMINERGIC POLYMORPHIC, 1, WITH OR WITHOUT ATRIAL DYSFUNCTION AND/OR DILATED CARDIOMYOPATHY. Identifiers: Orphanet 3286, MedGen C1631597, MONDO:0011484, OMIM 604772.

Allele frequency attached by ClinVar (database versions not stated): TOPMed below 0.00001; ExAC 0.00001; gnomAD exomes 0.00001.

Submissions (2):

Ambry Genetics
Classification: Uncertain significance for Cardiovascular phenotype. Last evaluated: 2025-08-28. Review status: criteria provided, single submitter. Criteria: Ambry Variant Classification Scheme 2023. Collection method: clinical testing. Allele origin: germline.
Comment: The p.V45F variant (also known as c.133G>T), located in coding exon 1 of the CASQ2 gene, results from a G to T substitution at nucleotide position 133. The valine at codon 45 is replaced by phenylalanine, an amino acid with highly similar properties. This amino acid position is conserved. In addition, this alteration is predicted to be tolerated by in silico analysis. Based on the available evidence, the clinical significance of this variant remains unclear.

Labcorp Genetics (formerly Invitae), Labcorp
Classification: Uncertain significance for Catecholaminergic polymorphic ventricular tachycardia 1. Last evaluated: 2021-11-24. Review status: criteria provided, single submitter. Criteria: Invitae Variant Classification Sherloc (09022015). Collection method: clinical testing. Allele origin: germline.
Comment: This sequence change replaces valine, which is neutral and non-polar, with phenylalanine, which is neutral and non-polar, at codon 45 of the CASQ2 protein (p.Val45Phe). This variant is present in population databases (rs746405346, gnomAD 0.006%). This variant has not been reported in the literature in individuals affected with CASQ2-related conditions. Algorithms developed to predict the effect of missense changes on protein structure and function are either unavailable or do not agree on the potential impact of this missense change (SIFT: "Deleterious"; PolyPhen-2: "Benign"; Align-GVGD: "Class C0"). In summary, the available evidence is currently insufficient to determine the role of this variant in disease. Therefore, it has been classified as a Variant of Uncertain Significance.

NM_001232.4(CASQ2):c.133G>T (p.Val45Phe)

Gene: CASQ2 (calsequestrin 2; minus strand). Cytogenetic location: 1p13.1.
Variant type: single nucleotide variant.
Coding change: c.133G>T on transcript NM_001232.4 (MANE Select); coding-DNA position 133, G replaced by T.
Protein change: p.Val45Phe; replaces valine 45 with phenylalanine.
Molecular consequence: missense variant.
Genome position (GRCh38, 1-based): chr1:115,768,409, C>A on the plus strand (G>T on the coding strand, the complement: CASQ2 is on the minus strand). VCF-style: chr1-115768409-C-A. GRCh37 (hg19) VCF-style: chr1-116311030-C-A.
Other names: c.133G>T (NM_001232.3); short protein forms V45F.
Identifiers: ClinVar variation 1469720 (VCV001469720.6), dbSNP rs746405346, ClinGen allele CA1023997.